The following is an entry in ClinVar:

NM_000059.4(BRCA2):c.9925_9926delinsTT (p.Glu3309Leu)

Gene: BRCA2 (BRCA2 DNA repair associated; plus strand). Cytogenetic location: 13q13.1.
Variant type: Indel.
Coding change: c.9925_9926delinsTT on transcript NM_000059.4 (MANE Select); coding-DNA positions 9925 to 9926, GA replaced by TT.
Protein change: p.Glu3309Leu; replaces glutamic acid 3309 with leucine.
Molecular consequence: missense variant.
Genome position (GRCh38, 1-based): chr13:32,398,438-32,398,439, GA replaced by TT. VCF-style: chr13-32398438-GA-TT. GRCh37 (hg19) VCF-style: chr13-32972575-GA-TT.
Other names: c.9829_9830delGAinsTT, p.Glu3277Leu (NM_001406719.1); c.9874_9875delGAinsTT, p.Glu3292Leu (NM_001406720.1); c.4993_4994delGAinsTT, p.Glu1665Leu (NM_001406721.1); c.3508_3509delGAinsTT, p.Glu1170Leu (NM_001406722.1); short protein forms E1170L, E3292L, E3309L, E1665L, E3277L.
Identifiers: ClinVar variation 2111927 (VCV002111927.4), dbSNP rs2548565149, ClinGen allele CA2580087470.
Genomic context (GRCh38, chr13:32,398,438, plus strand): 5'-TTTGTTTCTCCGGCTGCACAGAAGGCATTTCAGCCACCAAGGAGTTGTGGCACCAAATAC[GA>TT]AACACCCATAAAGAAAAAAGAACTGAATTCTCCTCAGATGACTCCATTTAAAAAATTCAA-3'
Protein context (NP_000050.3, residues 3299-3319): QPPRSCGTKY[Glu3309Leu]TPIKKKELNS

ClinVar aggregate classification (germline): Uncertain significance (1 of 4 stars; one submission).

Conditions:
Hereditary breast ovarian cancer syndrome. Also called: Hereditary breast and ovarian cancer syndrome; BRCA1- and BRCA2-Associated Hereditary Breast and Ovarian Cancer; Hereditary breast and ovarian cancer; Hereditary breast and/or ovarian cancer syndrome; Hereditary breast and ovarian cancer syndrome (HBOC); Breast and ovarian cancer. Identifiers: Orphanet 145, MedGen C0677776, MeSH D061325, MONDO:0003582. Disease mechanism: loss of function.

Submission:

Labcorp Genetics (formerly Invitae), Labcorp
Classification: Uncertain significance for Hereditary breast ovarian cancer syndrome. Last evaluated: 2022-03-14. Review status: criteria provided, single submitter. Criteria: Invitae Variant Classification Sherloc (09022015). Collection method: clinical testing. Allele origin: germline.
Comment: This variant has not been reported in the literature in individuals affected with BRCA2-related conditions. Information on the frequency of this variant in the gnomAD database is not available, as this variant may be reported differently in the database. This sequence change replaces glutamic acid, which is acidic and polar, with leucine, which is neutral and non-polar, at codon 3309 of the BRCA2 protein (p.Glu3309Leu). Algorithms developed to predict the effect of missense changes on protein structure and function are either unavailable or do not agree on the potential impact of this missense change (SIFT: "Not Available"; PolyPhen-2: "Probably Damaging"; Align-GVGD: "Not Available"). In summary, the available evidence is currently insufficient to determine the role of this variant in disease. Therefore, it has been classified as a Variant of Uncertain Significance.